The following is an entry in ClinVar:

NM_003850.3(SUCLA2):c.581A>G (p.Asp194Gly)

Gene: SUCLA2 (succinate-CoA ligase ADP-forming subunit beta; minus strand). Cytogenetic location: 13q14.2.
Variant type: single nucleotide variant.
Coding change: c.581A>G on transcript NM_003850.3 (MANE Select); coding-DNA position 581, A replaced by G.
Protein change: p.Asp194Gly; replaces aspartic acid 194 with glycine.
Molecular consequence: missense variant.
Genome position (GRCh38, 1-based): chr13:47,973,346, T>C on the plus strand (A>G on the coding strand, the complement: SUCLA2 is on the minus strand). VCF-style: chr13-47973346-T-C. GRCh37 (hg19) VCF-style: chr13-48547481-T-C.
Other names: short protein forms D194G.
Identifiers: ClinVar variation 1707925 (VCV001707925.5), dbSNP rs140266653, ClinGen allele CA6977966.

ClinVar aggregate classification (germline): Uncertain significance. Review status: criteria provided, multiple submitters, no conflicts (2 of 4 stars). 2 submissions from 2 submitters: Uncertain significance (2). Last evaluated 2024-12-19.

Conditions:
Mitochondrial DNA depletion syndrome, encephalomyopathic form with methylmalonic aciduria (MTDPS5). Also called: MITOCHONDRIAL DNA DEPLETION SYNDROME, ENCEPHALOMYOPATHIC FORM, WITH OR WITHOUT METHYLMALONIC ACIDURIA, AUTOSOMAL RECESSIVE, SUCLA2-RELATED; SUCLA2-Related Mitochondrial DNA Depletion Syndrome, Encephalomyopathic Form with Methylmalonic Aciduria; Mitochondrial encephalomyopathy aminoacidopathy; Mitochondrial DNA depletion syndrome 5 (encephalomyopathic with or without methylmalonic aciduria). Identifiers: Orphanet 1933, MedGen C5980207, MONDO:0012791, OMIM 612073.

Allele frequency attached by ClinVar (database versions not stated): ExAC 0.00001; gnomAD exomes 0.00001; ESP Exome Variant Server 0.00008; TOPMed 0.00001.

Submissions (2):

GeneDx
Classification: Uncertain significance. Last evaluated: 2024-12-19. Review status: criteria provided, single submitter. Criteria: GeneDx Variant Classification Process June 2021. Collection method: clinical testing. Allele origin: germline.
Comment: Not observed at significant frequency in large population cohorts (gnomAD); In silico analysis supports that this missense variant has a deleterious effect on protein structure/function; Has not been previously published as pathogenic or benign to our knowledge

Labcorp Genetics (formerly Invitae), Labcorp
Classification: Uncertain significance for Mitochondrial DNA depletion syndrome, encephalomyopathic form with methylmalonic aciduria. Last evaluated: 2022-03-13. Review status: criteria provided, single submitter. Criteria: Invitae Variant Classification Sherloc (09022015). Collection method: clinical testing. Allele origin: germline.
Comment: This sequence change replaces aspartic acid, which is acidic and polar, with glycine, which is neutral and non-polar, at codon 194 of the SUCLA2 protein (p.Asp194Gly). This variant is not present in population databases (gnomAD no frequency). This variant has not been reported in the literature in individuals affected with SUCLA2-related conditions. Algorithms developed to predict the effect of missense changes on protein structure and function are either unavailable or do not agree on the potential impact of this missense change (SIFT: "Deleterious"; PolyPhen-2: "Possibly Damaging"; Align-GVGD: "Class C15"). In summary, the available evidence is currently insufficient to determine the role of this variant in disease. Therefore, it has been classified as a Variant of Uncertain Significance.